The following is an entry in ClinVar:

ClinVar aggregate classification (germline): Uncertain significance (1 of 4 stars; one submission).

Conditions:
Nance-Horan syndrome (NHS). Identifiers: Orphanet 627, MedGen C0796085, MONDO:0010545, OMIM 302350.

Submission:

Labcorp Genetics (formerly Invitae), Labcorp
Classification: Uncertain significance for Nance-Horan syndrome. Last evaluated: 2023-07-08. Review status: criteria provided, single submitter. Criteria: Invitae Variant Classification Sherloc (09022015). Collection method: clinical testing. Allele origin: germline.
Comment: This sequence change replaces lysine, which is basic and polar, with glutamine, which is neutral and polar, at codon 1030 of the NHS protein (p.Lys1030Gln). This variant is not present in population databases (gnomAD no frequency). This variant has not been reported in the literature in individuals affected with NHS-related conditions. Advanced modeling of protein sequence and biophysical properties (such as structural, functional, and spatial information, amino acid conservation, physicochemical variation, residue mobility, and thermodynamic stability) performed at Invitae indicates that this missense variant is expected to disrupt NHS protein function. In summary, the available evidence is currently insufficient to determine the role of this variant in disease. Therefore, it has been classified as a Variant of Uncertain Significance.

NM_001291867.2(NHS):c.3151A>C (p.Lys1051Gln)

Gene: NHS (NHS actin remodeling regulator; plus strand). Cytogenetic location: Xp22.13.
Variant type: single nucleotide variant.
Coding change: c.3151A>C on transcript NM_001291867.2 (MANE Select); coding-DNA position 3151, A replaced by C.
Protein change: p.Lys1051Gln; replaces lysine 1051 with glutamine.
Molecular consequence: missense variant.
Genome position (GRCh38, 1-based): chrX:17,727,257, A>C. VCF-style: chrX-17727257-A-C. GRCh37 (hg19) VCF-style: chrX-17745377-A-C.
Other names: c.2620A>C, p.Lys874Gln (NM_001136024.4); c.2557A>C, p.Lys853Gln (NM_001291868.2); c.3088A>C, p.Lys1030Gln (NM_198270.4); short protein forms K853Q, K1051Q, K874Q, K1030Q.
Identifiers: ClinVar variation 2738017 (VCV002738017.3), dbSNP rs2519939417, ClinGen allele CA412362333.